The following is an entry in ClinVar:

NM_000051.4(ATM):c.8786+2dup

Genes: ATM (ATM serine/threonine kinase; plus strand), C11orf65 (chromosome 11 open reading frame 65; minus strand). Cytogenetic location: 11q22.3.
Variant type: Duplication.
Coding change: c.8786+2dup on transcript NM_000051.4 (MANE Select); the canonical splice donor site of the intron after coding-DNA position 8786, one base duplicated (T; older notation c.8786+2dupT).
Molecular consequence: splice donor variant. On other transcripts: intron variant (2).
Genome position (GRCh38, 1-based): chr11:108,353,882, T duplicated. VCF-style (leftmost placement, unchanged base first): chr11-108353881-G-GT. GRCh37 (hg19) VCF-style: chr11-108224608-G-GT.
Other names: c.8786+2dup (NM_001351834.2); c.640+32038dup (NM_001330368.2); c.695-18590dup (NM_001351110.2).
Identifiers: ClinVar variation 623791 (VCV000623791.42), dbSNP rs1565579654, ClinGen allele CA913190065.

ClinVar aggregate classification (germline): Conflicting classifications of pathogenicity. Review status: criteria provided, conflicting classifications (1 of 4 stars). 3 submissions from 3 submitters: Likely pathogenic (1); Uncertain significance (2). Last evaluated 2026-04-03.

Conditions:
Hereditary cancer-predisposing syndrome. Also called: Hereditary Cancer Syndrome; Neoplastic Syndromes, Hereditary; Tumor predisposition; Hereditary neoplastic syndrome. Identifiers: Orphanet 140162, MedGen C0027672, MeSH D009386, MONDO:0015356.
Ataxia-telangiectasia syndrome (AT). Also called: Cerebello-oculocutaneous telangiectasia; Immunodeficiency with ataxia telangiectasia; Ataxia-telangiectasia, complementation group E; Ataxia-telangiectasia, complementation group D; AT, COMPLEMENTATION GROUP C; ATAXIA-TELANGIECTASIA, COMPLEMENTATION GROUP A. Identifiers: Orphanet 100, MedGen C0004135, MONDO:0008840, OMIM 208900.

Submissions (3):

Ambry Genetics
Classification: Uncertain significance for Hereditary cancer-predisposing syndrome. Last evaluated: 2026-04-03. Review status: criteria provided, single submitter. Criteria: Ambry Variant Classification Scheme 2023. Collection method: clinical testing. Allele origin: germline.
Comment: The c.8786+2dupT intronic variant is located 2 nucleotide(s) after coding exon 59 of the ATM gene. This variant results from a duplication of one nucleotide at position c.8786+2. This nucleotide position is highly conserved in available vertebrate species. In silico splice site analysis predicts that this alteration will weaken the native splice donor site. Based on the available evidence, the clinical significance of this variant remains unclear.

Labcorp Genetics (formerly Invitae), Labcorp
Classification: Uncertain significance for Ataxia-telangiectasia syndrome. Last evaluated: 2025-06-27. Review status: criteria provided, single submitter. Criteria: Invitae Variant Classification Sherloc (09022015). Collection method: clinical testing. Allele origin: germline.
Comment: This sequence change falls in intron 60 of the ATM gene. It does not directly change the encoded amino acid sequence of the ATM protein. It affects a nucleotide within the consensus splice site. This variant is not present in population databases (gnomAD no frequency). This variant has not been reported in the literature in individuals affected with ATM-related conditions. ClinVar contains an entry for this variant (Variation ID: 623791). Variants that disrupt the consensus splice site are a relatively common cause of aberrant splicing (PMID: 17576681, 9536098). Algorithms developed to predict the effect of sequence changes on RNA splicing suggest that this variant may disrupt the consensus splice site. In summary, the available evidence is currently insufficient to determine the role of this variant in disease. Therefore, it has been classified as a Variant of Uncertain Significance.

CeGaT Center for Human Genetics Tuebingen
Classification: Likely pathogenic. Last evaluated: 2018-08-01. Review status: criteria provided, single submitter. Criteria: CeGaT Center For Human Genetics Tuebingen Variant Classification Criteria Version 2. Collection method: clinical testing. Allele origin: germline. Affected: yes. Observed: 3 variant alleles.

Literature cited by the submitters: PubMed 17576681 (cited by Labcorp Genetics (formerly Invitae), Labcorp); PubMed 9536098 (cited by Labcorp Genetics (formerly Invitae), Labcorp).